The following is an entry in ClinVar:

NM_001378024.1(ARHGAP32):c.445-5T>C

Gene: ARHGAP32 (Rho GTPase activating protein 32; minus strand). Cytogenetic location: 11q24.3.
Variant type: single nucleotide variant.
Coding change: c.445-5T>C on transcript NM_001378024.1 (MANE Select); 5 bases into the intron before coding-DNA position 445, T replaced by C.
Molecular consequence: intron variant.
Genome position (GRCh38, 1-based): chr11:129,093,712, A>G on the plus strand (T>C on the coding strand, the complement: ARHGAP32 is on the minus strand). VCF-style: chr11-129093712-A-G. GRCh37 (hg19) VCF-style: chr11-128963607-A-G.
Other names: c.283-5T>C (NM_001378025.1); c.403-5T>C (NM_001142685.2).
Identifiers: ClinVar variation 3045470 (VCV003045470.2), dbSNP rs368394867, ClinGen allele CA6359419.
Genomic context (GRCh38, chr11:129,093,712, plus strand): 5'-TCTTTAGATTCACAGCCATTTTTCATTACTTCATTCTGTTCTTCTGAAAGTGAAAGCTAC[A>G]TCACAGAAAAAAAAGAAGAGGGGGAAAGAAAGTCATGATTAGTAAACGAGAATAAACTAA-3'

ClinVar aggregate classification (germline): Likely benign (0 of 4 stars; one submission).

Conditions:
ARHGAP32-related disorder. Also called: ARHGAP32-related condition.

Allele frequency attached by ClinVar (database versions not stated): gnomAD 0.00012; TOPMed 0.00015; 1000 Genomes Project 30x 0.00016; ExAC 0.00028.
gnomAD v4.1: 150 of 1,574,594 alleles (0.0095%); highest among the groups gnomAD compares: East Asian, 0.27%; 1 homozygote.

Submission:

PreventionGenetics, part of Exact Sciences
Classification: Likely benign for ARHGAP32-related condition. Last evaluated: 2019-02-20. Review status: no assertion criteria provided. Collection method: clinical testing. Allele origin: germline.
Comment: This variant is classified as likely benign based on ACMG/AMP sequence variant interpretation guidelines (Richards et al. 2015 PMID: 25741868, with internal and published modifications).